The following is an entry in ClinVar:

NM_001486.4(GCKR):c.1278G>A (p.Val426=)

Gene: GCKR (glucokinase regulator; plus strand). Cytogenetic location: 2p23.3.
Variant type: single nucleotide variant.
Coding change: c.1278G>A on transcript NM_001486.4 (MANE Select); coding-DNA position 1278, G replaced by A.
Protein change: p.Val426=; no amino-acid change (valine 426 retained).
Molecular consequence: synonymous variant.
Genome position (GRCh38, 1-based): chr2:27,508,014, G>A. VCF-style: chr2-27508014-G-A. GRCh37 (hg19) VCF-style: chr2-27730881-G-A.
Identifiers: ClinVar variation 2872615 (VCV002872615.3), dbSNP rs1337646990, ClinGen allele CA425420425.

ClinVar aggregate classification (germline): Uncertain significance (1 of 4 stars; one submission).

Allele frequency attached by ClinVar (database versions not stated): TOPMed 0.00002; gnomAD exomes 0.00001; gnomAD 0.00001.
gnomAD v4.1: 9 of 1,613,820 alleles (0.00056%); highest among the groups gnomAD compares: Non-Finnish European, 0.00068%; no homozygotes.

Submission:

Labcorp Genetics (formerly Invitae), Labcorp
Classification: Uncertain significance. Last evaluated: 2025-12-29. Review status: criteria provided, single submitter. Criteria: Invitae Variant Classification Sherloc (09022015). Collection method: clinical testing. Allele origin: germline.
Comment: This sequence change affects codon 426 of the GCKR mRNA. It is a 'silent' change, meaning that it does not change the encoded amino acid sequence of the GCKR protein. This variant is not present in population databases (gnomAD no frequency). This variant has not been reported in the literature in individuals affected with GCKR-related conditions. ClinVar contains an entry for this variant (Variation ID: 2872615). Algorithms developed to predict the effect of sequence changes on RNA splicing suggest that this variant may create or strengthen a splice site. In summary, the available evidence is currently insufficient to determine the role of this variant in disease. Therefore, it has been classified as a Variant of Uncertain Significance.